The following is an entry in ClinVar:

ClinVar aggregate classification (germline): Uncertain significance (1 of 4 stars; one submission).

Conditions:
Developmental and epileptic encephalopathy 94 (DEE94). Also called: Epileptic encephalopathy, childhood-onset; CHD2-Related Neurodevelopmental Disorders. Identifiers: Orphanet 1942, Orphanet 2382, MedGen C3809278, MONDO:0014150, OMIM 615369.

gnomAD v4.1: 1 of 1,614,120 alleles (0.000062%); highest among the groups gnomAD compares: Non-Finnish European, 0.000085%; no homozygotes.

Submission:

Labcorp Genetics (formerly Invitae), Labcorp
Classification: Uncertain significance for Developmental and epileptic encephalopathy 94. Last evaluated: 2025-09-25. Review status: criteria provided, single submitter. Criteria: Invitae Variant Classification Sherloc (09022015). Collection method: clinical testing. Allele origin: germline.
Comment: This sequence change replaces valine, which is neutral and non-polar, with leucine, which is neutral and non-polar, at codon 78 of the CHD2 protein (p.Val78Leu). This variant is not present in population databases (gnomAD no frequency). This variant has not been reported in the literature in individuals affected with CHD2-related conditions. Invitae Evidence Modeling of protein sequence and biophysical properties (such as structural, functional, and spatial information, amino acid conservation, physicochemical variation, residue mobility, and thermodynamic stability) indicates that this missense variant is not expected to disrupt CHD2 protein function with a negative predictive value of 95%. In summary, the available evidence is currently insufficient to determine the role of this variant in disease. Therefore, it has been classified as a Variant of Uncertain Significance.

NM_001271.4(CHD2):c.232G>C (p.Val78Leu)

Gene: CHD2 (chromodomain helicase DNA binding protein 2; plus strand). Cytogenetic location: 15q26.1.
Variant type: single nucleotide variant.
Coding change: c.232G>C on transcript NM_001271.4 (MANE Select); coding-DNA position 232, G replaced by C.
Protein change: p.Val78Leu; replaces valine 78 with leucine.
Molecular consequence: missense variant.
Genome position (GRCh38, 1-based): chr15:92,924,490, G>C. VCF-style: chr15-92924490-G-C. GRCh37 (hg19) VCF-style: chr15-93467720-G-C.
Other names: c.232G>C, p.Val78Leu (NM_001042572.3); short protein forms V78L.
Identifiers: ClinVar variation 4802426 (VCV004802426.1).